The following is an entry in ClinVar:

ClinVar aggregate classification (germline): Conflicting classifications of pathogenicity. Review status: criteria provided, conflicting classifications (1 of 4 stars). 3 submissions from 3 submitters: Uncertain significance (2); Likely benign (1). Last evaluated 2025-11-24.

Conditions:
Inborn genetic diseases. Identifiers: MedGen C0950123, MeSH D030342.
Anemia, congenital dyserythropoietic, type 1a (CDAN1A). Also called: DYSERYTHROPOIETIC ANEMIA, CONGENITAL, TYPE Ia; CDAN1-Related Congenital Dyserythropoietic Anemia. Identifiers: MedGen C5574667, MONDO:0009135, OMIM 224120.

Allele frequency attached by ClinVar (database versions not stated): gnomAD 0.00003 and 0.00004; TOPMed 0.00004; ExAC 0.00007; gnomAD exomes 0.00008.
gnomAD v4.1: 95 of 1,614,238 alleles (0.0059%); highest among the groups gnomAD compares: East Asian, 0.029%; no homozygotes.

Submissions (3):

Ambry Genetics
Classification: Likely benign for Inborn genetic diseases. Last evaluated: 2025-11-24. Review status: criteria provided, single submitter. Criteria: Ambry Variant Classification Scheme 2023. Collection method: clinical testing. Allele origin: germline.

Labcorp Genetics (formerly Invitae), Labcorp
Classification: Uncertain significance. Last evaluated: 2024-09-11. Review status: criteria provided, single submitter. Criteria: Invitae Variant Classification Sherloc (09022015). Collection method: clinical testing. Allele origin: germline.
Comment: This sequence change replaces asparagine, which is neutral and polar, with serine, which is neutral and polar, at codon 609 of the CDAN1 protein (p.Asn609Ser). This variant is present in population databases (rs770414676, gnomAD 0.06%). This variant has not been reported in the literature in individuals affected with CDAN1-related conditions. ClinVar contains an entry for this variant (Variation ID: 1330675). An algorithm developed to predict the effect of missense changes on protein structure and function outputs the following: PolyPhen-2: "Benign". The serine amino acid residue is found in multiple mammalian species, which suggests that this missense change does not adversely affect protein function. In summary, the available evidence is currently insufficient to determine the role of this variant in disease. Therefore, it has been classified as a Variant of Uncertain Significance.

ARUP Laboratories, Molecular Genetics and Genomics, ARUP Laboratories
Classification: Uncertain significance for Anemia, congenital dyserythropoietic, type 1a. Last evaluated: 2021-04-29. Review status: criteria provided, single submitter. Criteria: ARUP Molecular Germline Variant Investigation Process 2021. Collection method: clinical testing. Allele origin: germline.

NM_138477.4(CDAN1):c.1826A>G (p.Asn609Ser)

Gene: CDAN1 (codanin 1; minus strand). Cytogenetic location: 15q15.2.
Variant type: single nucleotide variant.
Coding change: c.1826A>G on transcript NM_138477.4 (MANE Select); coding-DNA position 1826, A replaced by G.
Protein change: p.Asn609Ser; replaces asparagine 609 with serine.
Molecular consequence: missense variant.
Genome position (GRCh38, 1-based): chr15:42,731,245, T>C on the plus strand (A>G on the coding strand, the complement: CDAN1 is on the minus strand). VCF-style: chr15-42731245-T-C. GRCh37 (hg19) VCF-style: chr15-43023443-T-C.
Other names: c.1826A>G (NM_138477.2); short protein forms N609S.
Identifiers: ClinVar variation 1330675 (VCV001330675.9), dbSNP rs770414676, ClinGen allele CA7515922.